The following is an entry in ClinVar:

ClinVar aggregate classification (germline): Uncertain significance (1 of 4 stars; one submission).

Allele frequency attached by ClinVar (database versions not stated): gnomAD exomes below 0.00001; gnomAD 0.00001.
gnomAD v4.1: 3 of 1,613,400 alleles (0.00019%); highest among the groups gnomAD compares: East Asian, 0.0022%; no homozygotes.

Submission:

CeGaT Center for Human Genetics Tuebingen
Classification: Uncertain significance. Last evaluated: 2024-02-01. Review status: criteria provided, single submitter. Criteria: CeGaT Center For Human Genetics Tuebingen Variant Classification Criteria Version 2. Collection method: clinical testing. Allele origin: germline. Affected: yes. Observed: 1 variant allele.
Comment: DLG4: PM2, PP2

NM_001321075.3(DLG4):c.398C>T (p.Ala133Val)

Gene: DLG4 (discs large MAGUK scaffold protein 4; minus strand). Cytogenetic location: 17p13.1.
Variant type: single nucleotide variant.
Coding change: c.398C>T on transcript NM_001321075.3 (MANE Select); coding-DNA position 398, C replaced by T.
Protein change: p.Ala133Val; replaces alanine 133 with valine.
Molecular consequence: missense variant. On other transcripts: non-coding transcript variant (1).
Genome position (GRCh38, 1-based): chr17:7,203,531, G>A on the plus strand (C>T on the coding strand, the complement: DLG4 is on the minus strand). VCF-style: chr17-7203531-G-A. GRCh37 (hg19) VCF-style: chr17-7106850-G-A.
Other names: c.389C>T, p.Ala130Val (NM_001128827.4); c.518C>T, p.Ala173Val (NM_001321074.1); c.218C>T, p.Ala73Val (NM_001321076.3, NM_001321077.3); c.527C>T, p.Ala176Val (NM_001365.5); c.317C>T, p.Ala106Val (NM_001369566.3); short protein forms A106V, A130V, A133V, A173V, A176V, A73V.
Identifiers: ClinVar variation 3026339 (VCV003026339.22), dbSNP rs982251458, ClinGen allele CA287420945.